The following is an entry in ClinVar:

NM_019066.5(MAGEL2):c.1887C>G (p.Pro629=)

Gene: MAGEL2 (MAGE family member L2; minus strand). Cytogenetic location: 15q11.2.
Variant type: single nucleotide variant.
Coding change: c.1887C>G on transcript NM_019066.5 (MANE Select); coding-DNA position 1887, C replaced by G.
Protein change: p.Pro629=; no amino-acid change (proline 629 retained).
Molecular consequence: synonymous variant.
Genome position (GRCh38, 1-based): chr15:23,645,856, G>C on the plus strand (C>G on the coding strand, the complement: MAGEL2 is on the minus strand). VCF-style: chr15-23645856-G-C. GRCh37 (hg19) VCF-style: chr15-23891003-G-C.
Identifiers: ClinVar variation 2908336 (VCV002908336.3), dbSNP rs112088736, ClinGen allele CA489229206.

ClinVar aggregate classification (germline): Uncertain significance (1 of 4 stars; one submission).

Submission:

Labcorp Genetics (formerly Invitae), Labcorp
Classification: Uncertain significance. Last evaluated: 2024-05-07. Review status: criteria provided, single submitter. Criteria: Invitae Variant Classification Sherloc (09022015). Collection method: clinical testing. Allele origin: germline.
Comment: This sequence change affects codon 629 of the MAGEL2 mRNA. It is a 'silent' change, meaning that it does not change the encoded amino acid sequence of the MAGEL2 protein. This variant is not present in population databases (gnomAD no frequency). This variant has not been reported in the literature in individuals affected with MAGEL2-related conditions. In summary, the available evidence is currently insufficient to determine the role of this variant in disease. Therefore, it has been classified as a Variant of Uncertain Significance.